The following is an entry in ClinVar:

ClinVar aggregate classification (germline): Uncertain significance. Review status: criteria provided, multiple submitters, no conflicts (2 of 4 stars). 2 submissions from 2 submitters: Uncertain significance (2). Last evaluated 2024-11-07.

Conditions:
Dilated cardiomyopathy 1DD (CMD1DD). Identifiers: Orphanet 154, MedGen C2750995, MONDO:0013168, OMIM 613172.

Submissions (2):

GeneDx
Classification: Uncertain significance. Last evaluated: 2024-11-07. Review status: criteria provided, single submitter. Criteria: GeneDx Variant Classification Process June 2021. Collection method: clinical testing. Allele origin: germline. Affected: yes.
Comment: Not observed at significant frequency in large population cohorts (gnomAD); In silico analysis indicates that this missense variant does not alter protein structure/function; Has not been previously published as pathogenic or benign to our knowledge

Labcorp Genetics (formerly Invitae), Labcorp
Classification: Uncertain significance for Dilated cardiomyopathy 1DD. Last evaluated: 2022-10-20. Review status: criteria provided, single submitter. Criteria: Invitae Variant Classification Sherloc (09022015). Collection method: clinical testing. Allele origin: germline.
Comment: This sequence change replaces proline, which is neutral and non-polar, with serine, which is neutral and polar, at codon 160 of the RBM20 protein (p.Pro160Ser). This variant is not present in population databases (gnomAD no frequency). This variant has not been reported in the literature in individuals affected with RBM20-related conditions. Advanced modeling of protein sequence and biophysical properties (such as structural, functional, and spatial information, amino acid conservation, physicochemical variation, residue mobility, and thermodynamic stability) performed at Invitae indicates that this missense variant is not expected to disrupt RBM20 protein function. In summary, the available evidence is currently insufficient to determine the role of this variant in disease. Therefore, it has been classified as a Variant of Uncertain Significance.

NM_001134363.3(RBM20):c.478C>T (p.Pro160Ser)

Gene: RBM20 (RNA binding motif protein 20; plus strand). Cytogenetic location: 10q25.2.
Variant type: single nucleotide variant.
Coding change: c.478C>T on transcript NM_001134363.3 (MANE Select); coding-DNA position 478, C replaced by T.
Protein change: p.Pro160Ser; replaces proline 160 with serine.
Molecular consequence: missense variant.
Genome position (GRCh38, 1-based): chr10:110,781,087, C>T. VCF-style: chr10-110781087-C-T. GRCh37 (hg19) VCF-style: chr10-112540845-C-T.
Other names: short protein forms P160S.
Identifiers: ClinVar variation 1988543 (VCV001988543.5), dbSNP rs751279925, ClinGen allele CA378380638.